The following is an entry in ClinVar:

ClinVar aggregate classification (germline): Pathogenic/Likely pathogenic. Review status: criteria provided, multiple submitters, no conflicts (2 of 4 stars). 2 submissions from 2 submitters: Pathogenic (1); Likely pathogenic (1). Last evaluated 2024-01-11.

Conditions:
DeSanto-Shinawi syndrome due to WAC point mutation (DESSH). Also called: WAC-Related Intellectual Disability; DEVELOPMENTAL DELAY, BEHAVIORAL ABNORMALITIES, FACIAL DYSMORPHISM, AND OCULAR ABNORMALITIES; Facial dysmorphism-developmental delay-behavioral abnormalities syndrome due to WAC point mutation. Identifiers: Orphanet 284169, Orphanet 466950, MedGen C5681129, MONDO:0014741, OMIM 616708.

Submissions (2):

Laboratorio de Genetica e Diagnostico Molecular, Hospital Israelita Albert Einstein
Classification: Likely pathogenic for DeSanto-Shinawi syndrome due to WAC point mutation. Last evaluated: 2024-01-11. Review status: criteria provided, single submitter. Criteria: ACMG Guidelines, 2015. Collection method: clinical testing. Allele origin: germline. Affected: yes.
Comment: ACMG classification criteria: PVS1 very strong, PM2 moderate

GeneDx
Classification: Pathogenic. Last evaluated: 2016-12-27. Review status: criteria provided, single submitter. Criteria: GeneDx Variant Classification (06012015). Collection method: clinical testing. Allele origin: germline. Affected: yes.
Comment: The S449X variant in the WAC gene has not been reported previously as a pathogenic variant nor as a benign variant, to our knowledge. This variant is predicted to cause loss of normal protein function either through protein truncation or nonsense-mediated mRNA decay. The S449X variant was not observed in approximately 6,500 individuals of European and African American ancestry in the NHLBI Exome Sequencing Project, indicating it is not a common benign variant in these populations. We interpret S449X as a pathogenic variant.

NM_016628.5(WAC):c.1346C>G (p.Ser449Ter)

Gene: WAC (WW domain containing adaptor with coiled-coil; plus strand). Cytogenetic location: 10p12.1.
Variant type: single nucleotide variant.
Coding change: c.1346C>G on transcript NM_016628.5 (MANE Select); coding-DNA position 1346, C replaced by G.
Protein change: p.Ser449Ter; replaces serine 449 with a stop codon.
Molecular consequence: nonsense.
Genome position (GRCh38, 1-based): chr10:28,611,831, C>G. VCF-style: chr10-28611831-C-G. GRCh37 (hg19) VCF-style: chr10-28900760-C-G.
Other names: c.1211C>G, p.Ser404Ter (NM_100264.3); c.1037C>G, p.Ser346Ter (NM_100486.4); short protein forms S404*, S449*, S346*.
Identifiers: ClinVar variation 392418 (VCV000392418.3), dbSNP rs1057524482, ClinGen allele CA16606012.